The following is an entry in ClinVar:

NC_000001.10:g.(?_235577728)_(235582896_?)del

Gene: TBCE (tubulin folding cofactor E; plus strand). Cytogenetic location: 1q42.3.
Variant type: Deletion.
Identifiers: ClinVar variation 3247954 (VCV003247954.1).

ClinVar aggregate classification (germline): Pathogenic (1 of 4 stars; one submission).

Submission:

Labcorp Genetics (formerly Invitae), Labcorp
Classification: Pathogenic. Last evaluated: 2023-09-24. Review status: criteria provided, single submitter. Criteria: Invitae Variant Classification Sherloc (09022015). Collection method: clinical testing. Allele origin: unknown.
Comment: This variant is a gross deletion of the genomic region encompassing exon(s) 4-5 of the TBCE gene. This deletion is out-of-frame, and is expected to create a premature termination codon and result in an absent or disrupted protein product. Loss-of-function variants in TBCE are known to be pathogenic (PMID: 27666369, 34134906, 34356170). This variant has not been reported in the literature in individuals affected with TBCE-related conditions. For these reasons, this variant has been classified as Pathogenic.

Literature cited by the submitters: PubMed 27666369; PubMed 34134906; PubMed 34356170.